The following is an entry in ClinVar:

ClinVar aggregate classification (germline): Uncertain significance. Review status: criteria provided, multiple submitters, no conflicts (2 of 4 stars). 2 submissions from 2 submitters: Uncertain significance (2). Last evaluated 2025-02-09.

Conditions:
Immunodeficiency 132A. Also called: Herpes simplex encephalitis, susceptibility to, 3. Identifiers: Orphanet 1930, MedGen C3553868, MONDO:0013920, OMIM 614849.

Allele frequency attached by ClinVar (database versions not stated): gnomAD exomes below 0.00001.
gnomAD v4.1: 7 of 1,614,130 alleles (0.00043%); highest among the groups gnomAD compares: Non-Finnish European, 0.00059%; no homozygotes.

Submissions (2):

Labcorp Genetics (formerly Invitae), Labcorp
Classification: Uncertain significance for Immunodeficiency 132A. Last evaluated: 2025-02-09. Review status: criteria provided, single submitter. Criteria: Invitae Variant Classification Sherloc (09022015). Collection method: clinical testing. Allele origin: germline.
Comment: This sequence change replaces alanine, which is neutral and non-polar, with valine, which is neutral and non-polar, at codon 90 of the TRAF3 protein (p.Ala90Val). This variant is not present in population databases (gnomAD no frequency). This variant has not been reported in the literature in individuals affected with TRAF3-related conditions. ClinVar contains an entry for this variant (Variation ID: 933725). An algorithm developed to predict the effect of missense changes on protein structure and function (PolyPhen-2) suggests that this variant is likely to be tolerated. In summary, the available evidence is currently insufficient to determine the role of this variant in disease. Therefore, it has been classified as a Variant of Uncertain Significance.

Ambry Genetics
Classification: Uncertain significance. Last evaluated: 2021-06-11. Review status: criteria provided, single submitter. Criteria: Ambry Variant Classification Scheme 2023. Collection method: clinical testing. Allele origin: germline.

NM_145725.3(TRAF3):c.269C>T (p.Ala90Val)

Gene: TRAF3 (TNF receptor associated factor 3; plus strand). Cytogenetic location: 14q32.32.
Variant type: single nucleotide variant.
Coding change: c.269C>T on transcript NM_145725.3 (MANE Select); coding-DNA position 269, C replaced by T.
Protein change: p.Ala90Val; replaces alanine 90 with valine.
Molecular consequence: missense variant.
Genome position (GRCh38, 1-based): chr14:102,871,940, C>T. VCF-style: chr14-102871940-C-T. GRCh37 (hg19) VCF-style: chr14-103338277-C-T.
Other names: c.269C>T, p.Ala90Val (NM_001199427.2, NM_001385142.1, NM_001385143.1 and 2 more transcripts); short protein forms A90V.
Identifiers: ClinVar variation 933725 (VCV000933725.11), dbSNP rs928609609, ClinGen allele CA267125574.